The following is an entry in ClinVar:

NM_022124.6(CDH23):c.1417G>A (p.Val473Ile)

Gene: CDH23 (cadherin related 23; plus strand). Cytogenetic location: 10q22.1.
Variant type: single nucleotide variant.
Coding change: c.1417G>A on transcript NM_022124.6 (MANE Select); coding-DNA position 1417, G replaced by A.
Protein change: p.Val473Ile; replaces valine 473 with isoleucine.
Molecular consequence: missense variant.
Genome position (GRCh38, 1-based): chr10:71,646,585, G>A. VCF-style: chr10-71646585-G-A. GRCh37 (hg19) VCF-style: chr10-73406342-G-A.
Other names: c.1417G>A, p.Val473Ile (NM_001171930.2, NM_001171931.2, NM_052836.4); short protein forms V473I.
Identifiers: ClinVar variation 1446462 (VCV001446462.6), dbSNP rs771847607, ClinGen allele CA5543797.

ClinVar aggregate classification (germline): Uncertain significance. Review status: criteria provided, multiple submitters, no conflicts (2 of 4 stars). 2 submissions from 2 submitters: Uncertain significance (2). Last evaluated 2022-07-28.

Conditions:
Autosomal recessive nonsyndromic hearing loss 12. Also called: DEAFNESS, AUTOSOMAL RECESSIVE 12. Identifiers: Orphanet 90636, MedGen C1832394, MONDO:0011067, OMIM 601386.
Usher syndrome type 1D (USH1D). Also called: USHER SYNDROME, TYPE ID. Identifiers: Orphanet 231169, Orphanet 886, MedGen C1832845, MONDO:0010984, OMIM 601067.
Pituitary adenoma 5, multiple types. Identifiers: MedGen C4539685, MONDO:0054601, OMIM 617540.

gnomAD v4.1: 21 of 1,613,874 alleles (0.0013%); highest among the groups gnomAD compares: African/African-American, 0.011%; no homozygotes.

Submissions (2):

Labcorp Genetics (formerly Invitae), Labcorp
Classification: Uncertain significance. Last evaluated: 2022-07-28. Review status: criteria provided, single submitter. Criteria: Invitae Variant Classification Sherloc (09022015). Collection method: clinical testing. Allele origin: germline.
Comment: This sequence change replaces valine, which is neutral and non-polar, with isoleucine, which is neutral and non-polar, at codon 473 of the CDH23 protein (p.Val473Ile). This variant is present in population databases (rs771847607, gnomAD 0.007%). This variant has not been reported in the literature in individuals affected with CDH23-related conditions. ClinVar contains an entry for this variant (Variation ID: 1446462). Algorithms developed to predict the effect of missense changes on protein structure and function output the following: SIFT: "Tolerated"; PolyPhen-2: "Not Available"; Align-GVGD: "Class C0". The isoleucine amino acid residue is found in multiple mammalian species, which suggests that this missense change does not adversely affect protein function. In summary, the available evidence is currently insufficient to determine the role of this variant in disease. Therefore, it has been classified as a Variant of Uncertain Significance.

Fulgent Genetics
Classification: Uncertain significance for Usher syndrome type 1D; Autosomal recessive nonsyndromic hearing loss 12; Pituitary adenoma 5, multiple types. Last evaluated: 2021-07-15. Review status: criteria provided, single submitter. Criteria: ACMG Guidelines, 2015. Collection method: clinical testing. Allele origin: unknown.